The following is an entry in ClinVar:

ClinVar aggregate classification (germline): Uncertain significance. Review status: criteria provided, single submitter (1 of 4 stars). 2 submissions from 2 submitters: Uncertain significance (1). 1 of the submissions does not count toward it. Last evaluated 2019-07-18.

Conditions:
Autosomal recessive polycystic kidney disease (ARPKD). Also called: AR polycystic kidney disease. Identifiers: Orphanet 731, Orphanet 8378, MedGen C0085548, MeSH D017044, MONDO:0009889.

Submissions (2):

Women's Health and Genetics/Laboratory Corporation of America, LabCorp
Classification: Uncertain significance. Last evaluated: 2019-07-18. Review status: criteria provided, single submitter. Criteria: LabCorp Variant Classification Summary - May 2015. Collection method: clinical testing. Allele origin: germline.
Comment: Variant summary: PKHD1 c.2926T>C (p.Ser976Pro) results in a non-conservative amino acid change located in the IPT domain (IPR002909) of the encoded protein sequence. Three of five in-silico tools predict a damaging effect of the variant on protein function. The variant was absent in 251082 control chromosomes (gnomAD). The available data on variant occurrences in the general population are insufficient to allow any conclusion about variant significance. To our knowledge, no occurrence of c.2926T>C in individuals affected with Polycystic Kidney and Hepatic Disease and no experimental evidence demonstrating its impact on protein function have been reported. No clinical diagnostic laboratories have submitted clinical-significance assessments for this variant to ClinVar after 2014. Based on the evidence outlined above, the variant was classified as uncertain significance.

Natera, Inc.
Classification: Uncertain significance for Autosomal recessive polycystic kidney disease. Last evaluated: 2020-10-28. Review status: no assertion criteria provided. Collection method: clinical testing. Allele origin: germline. Not counted in ClinVar's aggregate classification.

NM_138694.4(PKHD1):c.2926T>C (p.Ser976Pro)

Gene: PKHD1 (PKHD1 ciliary IPT domain containing fibrocystin/polyductin; minus strand). Cytogenetic location: 6p12.2.
Variant type: single nucleotide variant.
Coding change: c.2926T>C on transcript NM_138694.4 (MANE Select); coding-DNA position 2926, T replaced by C.
Protein change: p.Ser976Pro; replaces serine 976 with proline.
Molecular consequence: missense variant.
Genome position (GRCh38, 1-based): chr6:52,043,030, A>G on the plus strand (T>C on the coding strand, the complement: PKHD1 is on the minus strand). VCF-style: chr6-52043030-A-G. GRCh37 (hg19) VCF-style: chr6-51907828-A-G.
Other names: c.2926T>C, p.Ser976Pro (NM_170724.3); short protein forms S976P.
Identifiers: ClinVar variation 929019 (VCV000929019.2), dbSNP rs770882723, ClinGen allele CA364442262.